The following is an entry in ClinVar:

ClinVar aggregate classification (germline): Uncertain significance (1 of 4 stars; one submission).

Conditions:
DYNC1H1-related disorder. Also called: DYNC1H1-related condition; DYNC1H1-related disorders. Identifiers: MedGen CN381529.

Submission:

3billion
Classification: Uncertain significance for DYNC1H1-related disorder. Last evaluated: 2025-12-10. Review status: criteria provided, single submitter. Criteria: ACMG Guidelines, 2015. Collection method: clinical testing. Allele origin: germline. Affected: yes.
Comment: The variant is not observed in the gnomAD v4.1.0 dataset. Predicted Consequence/Location: Missense variant. Missense changes are a common disease-causing mechanism. In silico tool predictions suggest no damaging effect of the variant on gene or gene product [REVEL: 0.32 (<0.4); 3Cnet: 0.02 (<0.1, specificity 0.84 and negative predicitive value 0.97)]. Different missense changes at the same codon have been reported as of uncertain significance (ClinVar ID: VCV002863234). Therefore, this variant is classified as VUS according to the recommendation of ACMG/AMP guideline.

NM_001376.5(DYNC1H1):c.11974C>A (p.Leu3992Met)

Gene: DYNC1H1 (dynein cytoplasmic 1 heavy chain 1; plus strand). Cytogenetic location: 14q32.31.
Variant type: single nucleotide variant.
Coding change: c.11974C>A on transcript NM_001376.5 (MANE Select); coding-DNA position 11974, C replaced by A.
Protein change: p.Leu3992Met; replaces leucine 3992 with methionine.
Molecular consequence: missense variant.
Genome position (GRCh38, 1-based): chr14:102,041,606, C>A. VCF-style: chr14-102041606-C-A. GRCh37 (hg19) VCF-style: chr14-102507943-C-A.
Other names: short protein forms L3992M.
Identifiers: ClinVar variation 4854951 (VCV004854951.1).